The following is an entry in ClinVar:

NM_007294.4(BRCA1):c.2568T>G (p.Tyr856Ter)

Gene: BRCA1 (BRCA1 DNA repair associated; minus strand). Cytogenetic location: 17q21.31.
Variant type: single nucleotide variant.
Coding change: c.2568T>G on transcript NM_007294.4 (MANE Select); coding-DNA position 2568, T replaced by G.
Protein change: p.Tyr856Ter; replaces tyrosine 856 with a stop codon.
Molecular consequence: nonsense. On other transcripts: intron variant (137).
Genome position (GRCh38, 1-based): chr17:43,092,963, A>C on the plus strand (T>G on the coding strand, the complement: BRCA1 is on the minus strand). VCF-style: chr17-43092963-A-C. GRCh37 (hg19) VCF-style: chr17-41244980-A-C.
Other names: NP_009225.1:p.Tyr856Ter; c.2355T>G, p.Tyr785Ter (NM_001407571.1, NM_001407853.1, NM_001407894.1 and 9 more transcripts); c.2568T>G, p.Tyr856Ter (NM_001407581.1, NM_001407582.1, NM_001407583.1 and 30 more transcripts); c.2565T>G, p.Tyr855Ter (NM_001407587.1, NM_001407590.1, NM_001407591.1 and 22 more transcripts); c.2559T>G, p.Tyr853Ter (NM_001407646.1, NM_001407647.1); c.2445T>G, p.Tyr815Ter (NM_001407648.1, NM_001407664.1, NM_001407665.1 and 19 more transcripts); c.2442T>G, p.Tyr814Ter (NM_001407649.1, NM_001407670.1, NM_001407671.1 and 11 more transcripts); c.2490T>G, p.Tyr830Ter (NM_001407653.1, NM_001407654.1, NM_001407655.1 and 4 more transcripts); and 42 more; short protein forms Y856*, Y809*, Y688*, Y728*, Y744*, Y815*, Y829*, Y830*.
Identifiers: ClinVar variation 54606 (VCV000054606.37), dbSNP rs80356832, ClinGen allele CA001694.

ClinVar aggregate classification (germline): Pathogenic. Review status: reviewed by expert panel (3 of 4 stars). 9 submissions from 9 submitters: Pathogenic (1). 8 of the submissions do not count toward it. Last evaluated 2016-09-08.

Conditions:
BRCA1-related disorder. Also called: BRCA1-related condition.
Hereditary cancer-predisposing syndrome. Also called: Tumor predisposition; Neoplastic Syndromes, Hereditary; Hereditary Cancer Syndrome; Hereditary neoplastic syndrome. Identifiers: Orphanet 140162, MedGen C0027672, MeSH D009386, MONDO:0015356.
Hereditary breast ovarian cancer syndrome. Also called: Hereditary breast and ovarian cancer syndrome (HBOC); Hereditary breast and ovarian cancer syndrome; Hereditary breast and ovarian cancer; Hereditary breast and/or ovarian cancer syndrome; Breast and ovarian cancer; BRCA1- and BRCA2-Associated Hereditary Breast and Ovarian Cancer. Identifiers: Orphanet 145, MedGen C0677776, MeSH D061325, MONDO:0003582. Disease mechanism: loss of function.
Breast-ovarian cancer, familial, susceptibility to, 1 (BROVCA1). Also called: OVARIAN CANCER, SUSCEPTIBILITY TO; BRCA1 Hereditary Breast and Ovarian Cancer. Identifiers: Orphanet 145, MedGen C2676676, MONDO:0011450, OMIM 604370. Disease mechanism: loss of function.

Submissions (9):

Evidence-based Network for the Interpretation of Germline Mutant Alleles (ENIGMA)
Classification: Pathogenic for Breast-ovarian cancer, familial, susceptibility to, 1. Last evaluated: 2016-09-08. Review status: reviewed by expert panel. Criteria: ENIGMA BRCA1/2 Classification Criteria (2015). Collection method: curation. Allele origin: germline.
Comment: Variant allele predicted to encode a truncated non-functional protein.

Labcorp Genetics (formerly Invitae), Labcorp
Classification: Pathogenic for Hereditary breast ovarian cancer syndrome. Last evaluated: 2024-09-12. Review status: criteria provided, single submitter. Criteria: Invitae Variant Classification Sherloc (09022015). Collection method: clinical testing. Allele origin: germline. Not counted in ClinVar's aggregate classification.
Comment: This sequence change creates a premature translational stop signal (p.Tyr856*) in the BRCA1 gene. It is expected to result in an absent or disrupted protein product. Loss-of-function variants in BRCA1 are known to be pathogenic (PMID: 20104584). This variant is not present in population databases (gnomAD no frequency). This premature translational stop signal has been observed in individual(s) with clinical features of hereditary breast and ovarian cancer syndrome (PMID: 21190077, 32338768). ClinVar contains an entry for this variant (Variation ID: 54606). For these reasons, this variant has been classified as Pathogenic.

Blueprint Genetics
Classification: Pathogenic for BRCA1-related disorders. Last evaluated: 2024-05-31. Review status: criteria provided, single submitter. Criteria: ACMG Guidelines, 2015. Collection method: clinical testing. Allele origin: germline. Affected: yes. Observed: 1 variant allele. Not counted in ClinVar's aggregate classification.

Color Diagnostics, LLC DBA Color Health
Classification: Pathogenic for Hereditary cancer-predisposing syndrome. Last evaluated: 2023-06-13. Review status: criteria provided, single submitter. Criteria: ACMG Guidelines, 2015. Collection method: clinical testing. Allele origin: germline. Not counted in ClinVar's aggregate classification.
Comment: This variant changes 1 nucleotide in exon 10 of the BRCA1 gene, creating a premature translation stop signal. This variant is expected to result in an absent or non-functional protein product. To our knowledge, functional studies have not been reported for this variant. This variant has been reported in individuals affected with breast cancer and/or ovarian cancer (PMID: 21190077, 28985766, 29470806, 30103829, 35464868) and an individual affected with prostate cancer (PMID: 32338768). This variant has not been identified in the general population by the Genome Aggregation Database (gnomAD). Loss of BRCA1 function is a known mechanism of disease. Based on the available evidence, this variant is classified as Pathogenic.

Women's Health and Genetics/Laboratory Corporation of America, LabCorp
Classification: Pathogenic for Hereditary breast ovarian cancer syndrome. Last evaluated: 2022-09-19. Review status: criteria provided, single submitter. Criteria: LabCorp Variant Classification Summary - May 2015. Collection method: clinical testing. Allele origin: germline. Not counted in ClinVar's aggregate classification.
Comment: Variant summary: BRCA1 c.2568T>G (p.Tyr856X) results in a premature termination codon, predicted to cause a truncation of the encoded protein or absence of the protein due to nonsense mediated decay, which are commonly known mechanisms for disease. Truncations downstream of this position have been classified as pathogenic by our laboratory. The variant was absent in 251018 control chromosomes. c.2568T>G has been reported in the literature in individuals affected with Hereditary Breast And Ovarian Cancer Syndrome (example Cardoso_2018, Singh_2018 and Solano_2017 etc.). These data indicate that the variant is likely associated with disease. To our knowledge, no experimental evidence demonstrating an impact on protein function has been reported. Four clinical diagnostic laboratories have submitted clinical-significance assessments for this variant to ClinVar after 2014 and classified the variant as pathogenic. Based on the evidence outlined above, the variant was classified as pathogenic.

National Health Laboratory Service, Universitas Academic Hospital and University of the Free State
Classification: Pathogenic for Hereditary breast ovarian cancer syndrome. Last evaluated: 2021-11-16. Review status: criteria provided, single submitter. Criteria: ACMG Guidelines, 2015. Collection method: clinical testing. Allele origin: germline. Affected: yes. Observed: 1 variant allele. Not counted in ClinVar's aggregate classification.

Ambry Genetics
Classification: Pathogenic for Hereditary cancer-predisposing syndrome. Last evaluated: 2018-03-09. Review status: criteria provided, single submitter. Criteria: Ambry Variant Classification Scheme 2023. Collection method: clinical testing. Allele origin: germline. Not counted in ClinVar's aggregate classification.
Comment: The p.Y856* pathogenic mutation (also known as c.2568T>G), located in coding exon 9 of the BRCA1 gene, results from a T to G substitution at nucleotide position 2568. This changes the amino acid from a tyrosine to a stop codon within coding exon 9. This mutation has been previously reported in a family meeting criteria for hereditary breast and ovarian cancer (Delgado L et al. Breast Cancer Res. Treat. 2011 Jul;128:211-8). In addition to the clinical data presented in the literature, this alteration is expected to result in loss of function by premature protein truncation or nonsense-mediated mRNA decay. As such, this alteration is interpreted as a disease-causing mutation.

Consortium of Investigators of Modifiers of BRCA1/2 (CIMBA), c/o University of Cambridge
Classification: Pathogenic for Breast-ovarian cancer, familial, susceptibility to, 1. Last evaluated: 2015-10-02. Review status: criteria provided, single submitter. Criteria: CIMBA Mutation Classification guidelines May 2016. Collection method: clinical testing. Allele origin: germline. Not counted in ClinVar's aggregate classification.

Breast Cancer Information Core (BIC) (BRCA1)
Classification: Pathogenic for Breast-ovarian cancer, familial 1. Last evaluated: 2002-05-29. Review status: no assertion criteria provided. Collection method: clinical testing. Allele origin: germline. Affected: yes. Observed: 3 variant alleles. Not counted in ClinVar's aggregate classification.

Literature cited by the submitters: PubMed 20104584 (cited by Labcorp Genetics (formerly Invitae), Labcorp); PubMed 21190077 (cited by 3 submitters); PubMed 32338768 (cited by 3 submitters); PubMed 28985766 (cited by Color Diagnostics, LLC DBA Color Health); PubMed 29470806 (cited by Color Diagnostics, LLC DBA Color Health and Women's Health and Genetics/Laboratory Corporation of America, LabCorp); PubMed 30103829 (cited by Color Diagnostics, LLC DBA Color Health and Women's Health and Genetics/Laboratory Corporation of America, LabCorp); PubMed 35464868 (cited by Color Diagnostics, LLC DBA Color Health); PubMed 28947987 (cited by Women's Health and Genetics/Laboratory Corporation of America, LabCorp); DOI 10.3389/fgene.2022.834265 (cited by National Health Laboratory Service, Universitas Academic Hospital and University of the Free State).